The following is an entry in ClinVar:

ClinVar aggregate classification (germline): Pathogenic (1 of 4 stars; one submission).

Submission:

Labcorp Genetics (formerly Invitae), Labcorp
Classification: Pathogenic. Last evaluated: 2023-08-09. Review status: criteria provided, single submitter. Criteria: Invitae Variant Classification Sherloc (09022015). Collection method: clinical testing. Allele origin: unknown.
Comment: This variant is a gross deletion of the genomic region encompassing exon(s) 24-25 of the LRPPRC gene. This deletion is out-of-frame, and is expected to create a premature termination codon and result in an absent or disrupted protein product. Loss-of-function variants in LRPPRC are known to be pathogenic (PMID: 26510951). This variant has not been reported in the literature in individuals affected with LRPPRC-related conditions. For these reasons, this variant has been classified as Pathogenic.

Literature cited by the submitters: PubMed 26510951.

NC_000002.11:g.(?_44161309)_(44162037_?)del

Gene: LRPPRC (leucine rich pentatricopeptide repeat containing; minus strand). Cytogenetic location: 2p21.
Variant type: Deletion.
Identifiers: ClinVar variation 3247585 (VCV003247585.1).